The following is an entry in ClinVar:

NM_004104.5(FASN):c.4528G>T (p.Ala1510Ser)

Gene: FASN (fatty acid synthase; minus strand). Cytogenetic location: 17q25.3.
Variant type: single nucleotide variant.
Coding change: c.4528G>T on transcript NM_004104.5 (MANE Select); coding-DNA position 4528, G replaced by T.
Protein change: p.Ala1510Ser; replaces alanine 1510 with serine.
Molecular consequence: missense variant.
Genome position (GRCh38, 1-based): chr17:82,084,835, C>A on the plus strand (G>T on the coding strand, the complement: FASN is on the minus strand). VCF-style: chr17-82084835-C-A. GRCh37 (hg19) VCF-style: chr17-80042711-C-A.
Other names: short protein forms A1510S.
Identifiers: ClinVar variation 4718779 (VCV004718779.1).
Genomic context (GRCh38, chr17:82,084,835, plus strand): 5'-GGCAGGGCAGTGTCGGGGGCTCACCCTCCTCCAGCAGGAAGTGGCGGAAAGCCCCCCAGG[C>A]CCCGTCGCGGTAGACGTTCATCACCAGGTCTCCCTGCAACACCTTCTGCAGTTCTGCGGA-3'
Protein context (NP_004095.4, residues 1500-1520): DLVMNVYRDG[Ala1510Ser]WGAFRHFLLE

ClinVar aggregate classification (germline): Uncertain significance (1 of 4 stars; one submission).

Conditions:
Epileptic encephalopathy. Identifiers: MedGen C0543888, HP:0200134.

gnomAD v4.1: 2 of 1,550,256 alleles (0.00013%); highest among the groups gnomAD compares: African/African-American, 0.0014%; no homozygotes.

Submission:

Labcorp Genetics (formerly Invitae), Labcorp
Classification: Uncertain significance for Epileptic encephalopathy. Last evaluated: 2025-05-01. Review status: criteria provided, single submitter. Criteria: Invitae Variant Classification Sherloc (09022015). Collection method: clinical testing. Allele origin: germline.
Comment: This sequence change replaces alanine, which is neutral and non-polar, with serine, which is neutral and polar, at codon 1510 of the FASN protein (p.Ala1510Ser). The frequency data for this variant in the population databases is considered unreliable, as metrics indicate poor data quality at this position in the gnomAD database. This variant has not been reported in the literature in individuals affected with FASN-related conditions. An algorithm developed to predict the effect of missense changes on protein structure and function outputs the following: PolyPhen-2: "Benign". The serine amino acid residue is found in multiple mammalian species, which suggests that this missense change does not adversely affect protein function. In summary, the available evidence is currently insufficient to determine the role of this variant in disease. Therefore, it has been classified as a Variant of Uncertain Significance.